The following is an entry in ClinVar:

ClinVar aggregate classification (germline): Conflicting classifications of pathogenicity. Review status: criteria provided, conflicting classifications (1 of 4 stars). 3 submissions from 3 submitters: Pathogenic (1); Uncertain significance (2). Last evaluated 2023-02-27.

Conditions:
Xeroderma pigmentosum, group D (XPD). Also called: XP, GROUP H; XERODERMA PIGMENTOSUM IV; XP, GROUP D; XERODERMA PIGMENTOSUM, COMPLEMENTATION GROUP D; ERCC2-Related Xeroderma Pigmentosum. Identifiers: MedGen C0268138, MONDO:0010212, OMIM 278730.

Allele frequency attached by ClinVar (database versions not stated): gnomAD exomes below 0.00001; TOPMed 0.00001.
gnomAD v4.1: 2 of 1,539,670 alleles (0.00013%); highest among the groups gnomAD compares: Admixed American, 0.002%; no homozygotes.

Submissions (3):

Department of Pathology and Laboratory Medicine, Sinai Health System
Classification: Uncertain significance for xeroderma pigmentosum group D. Last evaluated: 2023-02-27. Review status: criteria provided, single submitter. Criteria: ACMG Guidelines, 2015. Collection method: research. Allele origin: germline.

Labcorp Genetics (formerly Invitae), Labcorp
Classification: Uncertain significance. Last evaluated: 2022-09-17. Review status: criteria provided, single submitter. Criteria: Invitae Variant Classification Sherloc (09022015). Collection method: clinical testing. Allele origin: germline.
Comment: This sequence change falls in intron 10 of the ERCC2 gene. It does not directly change the encoded amino acid sequence of the ERCC2 protein. It affects a nucleotide within the consensus splice site. This variant is not present in population databases (gnomAD no frequency). This variant has not been reported in the literature in individuals affected with ERCC2-related conditions. ClinVar contains an entry for this variant (Variation ID: 1685772). Variants that disrupt the consensus splice site are a relatively common cause of aberrant splicing (PMID: 17576681, 9536098). Algorithms developed to predict the effect of sequence changes on RNA splicing suggest that this variant may disrupt the consensus splice site. In summary, the available evidence is currently insufficient to determine the role of this variant in disease. Therefore, it has been classified as a Variant of Uncertain Significance.

Mendelics
Classification: Pathogenic for Xeroderma pigmentosum, group D. Last evaluated: 2022-05-04. Review status: criteria provided, single submitter. Criteria: Mendelics Assertion Criteria 2019. Collection method: clinical testing. Allele origin: germline.

Literature cited by the submitters: PubMed 17576681 (cited by Labcorp Genetics (formerly Invitae), Labcorp); PubMed 9536098 (cited by Labcorp Genetics (formerly Invitae), Labcorp).

NM_000400.4(ERCC2):c.949+5G>A

Gene: ERCC2 (ERCC excision repair 2, TFIIH core complex helicase subunit; minus strand). Cytogenetic location: 19q13.32.
Variant type: single nucleotide variant.
Coding change: c.949+5G>A on transcript NM_000400.4 (MANE Select); 5 bases into the intron after coding-DNA position 949, G replaced by A.
Molecular consequence: intron variant.
Genome position (GRCh38, 1-based): chr19:45,363,981, C>T on the plus strand (G>A on the coding strand, the complement: ERCC2 is on the minus strand). VCF-style: chr19-45363981-C-T. GRCh37 (hg19) VCF-style: chr19-45867239-C-T.
Other names: c.877+5G>A (NM_001130867.2).
Identifiers: ClinVar variation 1685772 (VCV001685772.4), dbSNP rs899469885, ClinGen allele CA308966588.
Genomic context (GRCh38, chr19:45,363,981, plus strand): 5'-GACGCTATCAGCGGCGACGGGGAGGCGGGAAAGGGACTGGGGGGCAGCGGGGGGTCGGGG[C>T]TCACCCTGCAGCACTTCGTCGGGCAGCACGGGGTTGGCCAGGTGGGCGTCCGTCTCCCGG-3'